The following is an entry in ClinVar:

NM_001079872.2(CUL4B):c.1396C>A (p.Arg466=)

Gene: CUL4B (cullin 4B; minus strand). Cytogenetic location: Xq24.
Variant type: single nucleotide variant.
Coding change: c.1396C>A on transcript NM_001079872.2 (MANE Select); coding-DNA position 1396, C replaced by A.
Protein change: p.Arg466=; no amino-acid change (arginine 466 retained).
Molecular consequence: synonymous variant.
Genome position (GRCh38, 1-based): chrX:120,541,649, G>T on the plus strand (C>A on the coding strand, the complement: CUL4B is on the minus strand). VCF-style: chrX-120541649-G-T. GRCh37 (hg19) VCF-style: chrX-119675504-G-T.
Other names: c.1411C>A, p.Arg471= (NM_001330624.2); c.862C>A, p.Arg288= (NM_001369145.1); c.1450C>A, p.Arg484= (NM_003588.4).
Identifiers: ClinVar variation 3357553 (VCV003357553.3).
Genomic context (GRCh38, chrX:120,541,649, plus strand): 5'-AAATTGTTAATACCTTGATATATTCGATCCACTGCTGCAAAAGAACCTGAACTCCACCTC[G>T]AACTCTACTGAAGAGCTGATACAGAAGAGACAAATCTTGAATTCGGTTTTCATCAAGGAG-3'
Protein context (NP_001073341.1, residues 456-476): SLLYQLFSRV[Arg466=]GGVQVLLQQW

ClinVar aggregate classification (germline): Likely benign. Review status: criteria provided, single submitter (1 of 4 stars). 2 submissions from 2 submitters: Likely benign (1). 1 of the submissions does not count toward it. Last evaluated 2024-11-05.

Conditions:
X-linked intellectual disability Cabezas type (MRXSC). Also called: CABEZAS SYNDROME; MENTAL RETARDATION, X-LINKED, SYNDROMIC 15; Intellectual developmental disorder, X-linked syndromic, Cabezas type. Identifiers: Orphanet 85289, Orphanet 85293, MedGen C1845861, MONDO:0010306, OMIM 300354.
CUL4B-related disorder. Also called: CUL4B-related condition.

gnomAD v4.1: 1 of 1,208,201 alleles (0.000083%); highest among the groups gnomAD compares: Admixed American, 0.0022%; no homozygotes.

Submissions (2):

Labcorp Genetics (formerly Invitae), Labcorp
Classification: Likely benign for X-linked intellectual disability Cabezas type. Last evaluated: 2024-11-05. Review status: criteria provided, single submitter. Criteria: Invitae Variant Classification Sherloc (09022015). Collection method: clinical testing. Allele origin: germline.

PreventionGenetics, part of Exact Sciences
Classification: Likely benign for CUL4B-related condition. Last evaluated: 2023-04-14. Review status: no assertion criteria provided. Collection method: clinical testing. Allele origin: germline. Not counted in ClinVar's aggregate classification.
Comment: This variant is classified as likely benign based on ACMG/AMP sequence variant interpretation guidelines (Richards et al. 2015 PMID: 25741868, with internal and published modifications).